The following is an entry in ClinVar:

ClinVar aggregate classification (germline): Benign. Review status: criteria provided, multiple submitters, no conflicts (2 of 4 stars). 3 submissions from 3 submitters: Benign (2). 1 of the submissions does not count toward it. Last evaluated 2019-12-31.

Conditions:
CAPN15-related disorder. Also called: CAPN15-related condition.

Allele frequency attached by ClinVar (database versions not stated): gnomAD exomes 0.00074 and 0.00192; ExAC 0.00244; 1000 Genomes Project 0.00599; 1000 Genomes Project 30x 0.00656; gnomAD 0.00710; TOPMed 0.00779; ESP Exome Variant Server 0.00801.

Submissions (3):

Labcorp Genetics (formerly Invitae), Labcorp
Classification: Benign. Last evaluated: 2019-12-31. Review status: criteria provided, single submitter. Criteria: Invitae Variant Classification Sherloc (09022015). Collection method: clinical testing. Allele origin: germline.

Breakthrough Genomics
Classification: Benign. Review status: criteria provided, single submitter. Criteria: ACMG Guidelines, 2015. Collection method: not provided. Allele origin: germline. Inheritance: Autosomal recessive inheritance. Affected: yes.

PreventionGenetics, part of Exact Sciences
Classification: Benign for CAPN15-related condition. Last evaluated: 2020-02-26. Review status: no assertion criteria provided. Collection method: clinical testing. Allele origin: germline. Not counted in ClinVar's aggregate classification.
Comment: This variant is classified as benign based on ACMG/AMP sequence variant interpretation guidelines (Richards et al. 2015 PMID: 25741868, with internal and published modifications).

NM_005632.3(CAPN15):c.1450-4G>A

Gene: CAPN15 (calpain 15; plus strand). Cytogenetic location: 16p13.3.
Variant type: single nucleotide variant.
Coding change: c.1450-4G>A on transcript NM_005632.3 (MANE Select); 4 bases into the intron before coding-DNA position 1450, G replaced by A.
Molecular consequence: intron variant.
Genome position (GRCh38, 1-based): chr16:548,989, G>A. VCF-style: chr16-548989-G-A. GRCh37 (hg19) VCF-style: chr16-598989-G-A.
Identifiers: ClinVar variation 778578 (VCV000778578.7), dbSNP rs145573740, ClinGen allele CA7778344.